The following is an entry in ClinVar:

NM_002485.5(NBN):c.359T>G (p.Leu120Ter)

Gene: NBN (nibrin; minus strand). Cytogenetic location: 8q21.3.
Variant type: single nucleotide variant.
Coding change: c.359T>G on transcript NM_002485.5 (MANE Select); coding-DNA position 359, T replaced by G.
Protein change: p.Leu120Ter; replaces leucine 120 with a stop codon.
Molecular consequence: nonsense.
Genome position (GRCh38, 1-based): chr8:89,980,855, A>C on the plus strand (T>G on the coding strand, the complement: NBN is on the minus strand). VCF-style: chr8-89980855-A-C. GRCh37 (hg19) VCF-style: chr8-90993083-A-C.
Other names: c.113T>G, p.Leu38Ter (NM_001024688.3); short protein forms L120*, L38*.
Identifiers: ClinVar variation 937119 (VCV000937119.10), dbSNP rs1563579387, ClinGen allele CA371662087.

ClinVar aggregate classification (germline): Pathogenic/Likely pathogenic. Review status: criteria provided, multiple submitters, no conflicts (2 of 4 stars). 3 submissions from 3 submitters: Pathogenic (2); Likely pathogenic (1). Last evaluated 2023-09-14.

Conditions:
Hereditary cancer-predisposing syndrome. Also called: Tumor predisposition; Hereditary neoplastic syndrome; Neoplastic Syndromes, Hereditary; Hereditary Cancer Syndrome. Identifiers: Orphanet 140162, MedGen C0027672, MeSH D009386, MONDO:0015356.
Aplastic anemia. Identifiers: Orphanet 182040, Orphanet 88, MedGen C0002874, MONDO:0015909, OMIM 609135, HP:0001915.
Microcephaly, normal intelligence and immunodeficiency (NBS). Also called: BERLIN BREAKAGE SYNDROME; Immunodeficiency, microcephaly with normal intelligence; Ataxia telangiectasia variant V1; SEEMANOVA SYNDROME II; Nijmegen breakage syndrome; Microcephaly with normal intelligence immunodeficiency and lymphoreticular malignancies. Identifiers: Orphanet 647, MedGen C0398791, MONDO:0009623, OMIM 251260.

Submissions (3):

Ambry Genetics
Classification: Pathogenic for Hereditary cancer-predisposing syndrome. Last evaluated: 2023-09-14. Review status: criteria provided, single submitter. Criteria: Ambry Variant Classification Scheme 2023. Collection method: clinical testing. Allele origin: germline.
Comment: The p.L120* variant (also known as c.359T>G), located in coding exon 4 of the NBN gene, results from a T to G substitution at nucleotide position 359. This changes the amino acid from a leucine to a stop codon within coding exon 4. This variant is considered to be rare based on population cohorts in the Genome Aggregation Database (gnomAD). This alteration is expected to result in loss of function by premature protein truncation or nonsense-mediated mRNA decay. As such, this alteration is interpreted as a disease-causing mutation.

Baylor Genetics
Classification: Likely pathogenic for Aplastic anemia. Last evaluated: 2022-10-20. Review status: criteria provided, single submitter. Criteria: ACMG Guidelines, 2015. Collection method: clinical testing. Allele origin: unknown.

Labcorp Genetics (formerly Invitae), Labcorp
Classification: Pathogenic for Microcephaly, normal intelligence and immunodeficiency. Last evaluated: 2021-10-09. Review status: criteria provided, single submitter. Criteria: Invitae Variant Classification Sherloc (09022015). Collection method: clinical testing. Allele origin: germline.
Comment: For these reasons, this variant has been classified as Pathogenic. This variant has not been reported in the literature in individuals with NBN-related conditions. This variant is not present in population databases (ExAC no frequency). This sequence change creates a premature translational stop signal (p.Leu120*) in the NBN gene. It is expected to result in an absent or disrupted protein product. Loss-of-function variants in NBN are known to be pathogenic (PMID: 9590180, 16415040).

Literature cited by the submitters: PubMed 9590180 (cited by Labcorp Genetics (formerly Invitae), Labcorp); PubMed 16415040 (cited by Labcorp Genetics (formerly Invitae), Labcorp).